The following is an entry in ClinVar:

NM_006206.6(PDGFRA):c.1559-4G>A

Gene: PDGFRA (platelet derived growth factor receptor alpha; plus strand). Cytogenetic location: 4q12.
Variant type: single nucleotide variant.
Coding change: c.1559-4G>A on transcript NM_006206.6 (MANE Select); 4 bases into the intron before coding-DNA position 1559, G replaced by A.
Molecular consequence: intron variant.
Genome position (GRCh38, 1-based): chr4:54,274,527, G>A. VCF-style: chr4-54274527-G-A. GRCh37 (hg19) VCF-style: chr4-55140694-G-A.
Other names: c.1634-4G>A (NM_001347828.2); c.1559-4G>A (NM_001347827.2, NM_001347829.2); c.1598-4G>A (NM_001347830.2).
Identifiers: ClinVar variation 459008 (VCV000459008.16), dbSNP rs962273857, ClinGen allele CA96859430.

ClinVar aggregate classification (germline): Likely benign. Review status: criteria provided, multiple submitters, no conflicts (2 of 4 stars). 3 submissions from 3 submitters: Likely benign (3). Last evaluated 2026-06-15.

Conditions:
Polyps, multiple and recurrent inflammatory fibroid, gastrointestinal. Identifiers: MedGen C5193005, MONDO:0008285, OMIM 175510.
Hereditary cancer-predisposing syndrome. Also called: Tumor predisposition; Hereditary neoplastic syndrome; Neoplastic Syndromes, Hereditary; Hereditary Cancer Syndrome. Identifiers: Orphanet 140162, MedGen C0027672, MeSH D009386, MONDO:0015356.
Gastrointestinal stromal tumor. Also called: Gastrointestinal stroma tumor; Gastrointestinal stromal tumor, somatic. Identifiers: Orphanet 44890, MedGen C0238198, MeSH D046152, MONDO:0011719, OMIM 606764, HP:0100723.

Allele frequency attached by ClinVar (database versions not stated): gnomAD 0.00001; TOPMed 0.00002.

Submissions (3):

Myriad Genetics, Inc.
Classification: Likely benign for Polyps, multiple and recurrent inflammatory fibroid, gastrointestinal. Last evaluated: 2026-06-15. Review status: criteria provided, single submitter. Criteria: Myriad Autosomal Dominant, Autosomal Recessive and X-Linked Classification Criteria (2023). Collection method: clinical testing. Allele origin: unknown.
Comment: This variant is considered likely benign. This variant is intronic and is not expected to impact mRNA splicing.

Labcorp Genetics (formerly Invitae), Labcorp
Classification: Likely benign for Gastrointestinal stromal tumor. Last evaluated: 2025-12-31. Review status: criteria provided, single submitter. Criteria: Invitae Variant Classification Sherloc (09022015). Collection method: clinical testing. Allele origin: germline.

Ambry Genetics
Classification: Likely benign for Hereditary cancer-predisposing syndrome. Last evaluated: 2024-12-04. Review status: criteria provided, single submitter. Criteria: Ambry Variant Classification Scheme 2023. Collection method: clinical testing. Allele origin: germline.